The following is an entry in ClinVar:

ClinVar aggregate classification (germline): Conflicting classifications of pathogenicity. Review status: criteria provided, conflicting classifications (1 of 4 stars). 6 submissions from 6 submitters: Uncertain significance (2); Likely benign (4). Last evaluated 2025-11-12.

Conditions:
Arrhythmogenic right ventricular cardiomyopathy (ARVD). Also called: Arrhythmogenic cardiomyopathy; Arrhythmogenic Right Ventricular Cardiomyopathy (ARVC); Cardiomyopathy, ARVC; Arrhythmogenic right ventricular dysplasia. Identifiers: Orphanet 247, MedGen C0349788, MeSH D019571, MONDO:0016587. Disease mechanism: loss of function. Inheritance: Various modes of inheritance.
Arrhythmogenic right ventricular dysplasia 10. Also called: Arrhythmogenic Right Ventricular Dysplasia/Cardiomyopathy10; ARRHYTHMOGENIC RIGHT VENTRICULAR DYSPLASIA, FAMILIAL, 10; Arrhythmogenic right ventricular dysplasia/cardiomyopathy, type 10. Identifiers: MedGen C1857777, MONDO:0012434, OMIM 610193.
Cardiovascular phenotype. Identifiers: MedGen CN230736.
Cardiomyopathy (CMYO). Also called: Cardiomyopathies. Identifiers: Orphanet 167848, MedGen C0878544, MONDO:0004994, HP:0001638. Inheritance: Various modes of inheritance.

Allele frequency attached by ClinVar (database versions not stated): ExAC 0.00001; gnomAD exomes 0.00001; TOPMed 0.00002; gnomAD 0.00003 and 0.00004.
gnomAD v4.1: 22 of 1,612,816 alleles (0.0014%); highest among the groups gnomAD compares: African/African-American, 0.011%; no homozygotes.

Submissions (6):

Labcorp Genetics (formerly Invitae), Labcorp
Classification: Uncertain significance for Arrhythmogenic right ventricular dysplasia 10. Last evaluated: 2025-11-12. Review status: criteria provided, single submitter. Criteria: Invitae Variant Classification Sherloc (09022015). Collection method: clinical testing. Allele origin: germline.
Comment: This sequence change affects codon 626 of the DSG2 mRNA. It is a 'silent' change, meaning that it does not change the encoded amino acid sequence of the DSG2 protein. It affects a nucleotide within the consensus splice site. This variant is present in population databases (rs771576658, gnomAD 0.01%). This variant has not been reported in the literature in individuals affected with DSG2-related conditions. ClinVar contains an entry for this variant (Variation ID: 629509). Algorithms developed to predict the effect of sequence changes on RNA splicing suggest that this variant is not likely to affect RNA splicing. In summary, the available evidence is currently insufficient to determine the role of this variant in disease. Therefore, it has been classified as a Variant of Uncertain Significance.

Ambry Genetics
Classification: Likely benign for Cardiovascular phenotype. Last evaluated: 2024-03-19. Review status: criteria provided, single submitter. Criteria: Ambry Variant Classification Scheme 2023. Collection method: clinical testing. Allele origin: germline.

All of Us Research Program, National Institutes of Health
Classification: Likely benign for Arrhythmogenic right ventricular cardiomyopathy. Last evaluated: 2024-02-05. Review status: criteria provided, single submitter. Criteria: ACMG Guidelines, 2015. Collection method: clinical testing. Allele origin: germline. Inheritance: Autosomal dominant inheritance. Observed: 6 variant alleles, 6 heterozygotes.
Comment: This study involves interpretation of variants in research participants for the purpose of population health screening. Participant phenotype was not available at the time of variant classification. Additional details can be found in publication PMID: 35346344, PMCID: PMC8962531

Women's Health and Genetics/Laboratory Corporation of America, LabCorp
Classification: Uncertain significance. Last evaluated: 2023-01-14. Review status: criteria provided, single submitter. Criteria: LabCorp Variant Classification Summary - May 2015. Collection method: clinical testing. Allele origin: germline.

Blueprint Genetics
Classification: Likely benign. Last evaluated: 2020-09-28. Review status: criteria provided, single submitter. Criteria: ACMG Guidelines, 2015. Collection method: clinical testing. Allele origin: germline.

Color Diagnostics, LLC DBA Color Health
Classification: Likely benign for Cardiomyopathy. Last evaluated: 2018-10-15. Review status: criteria provided, single submitter. Criteria: ACMG Guidelines, 2015. Collection method: clinical testing. Allele origin: germline.

NM_001943.5(DSG2):c.1878A>G (p.Leu626=)

Gene: DSG2 (desmoglein 2; plus strand). Cytogenetic location: 18q12.1.
Variant type: single nucleotide variant.
Coding change: c.1878A>G on transcript NM_001943.5 (MANE Select); coding-DNA position 1878, A replaced by G.
Protein change: p.Leu626=; no amino-acid change (leucine 626 retained).
Molecular consequence: synonymous variant.
Genome position (GRCh38, 1-based): chr18:31,538,977, A>G. VCF-style: chr18-31538977-A-G. GRCh37 (hg19) VCF-style: chr18-29118940-A-G.
Other names: c.1878A>G (NM_001943.3).
Identifiers: ClinVar variation 629509 (VCV000629509.16), dbSNP rs771576658, ClinGen allele CA044009.
Genomic context (GRCh38, chr18:31,538,977, plus strand): 5'-CTATGTGGGCCTGGGACCCGCAGCAATTGCGCTCATGATTTTGGCCTTTCTGCTCCTGCT[A>G]TGTAAGTCTTTAAAAGCCACTCTGTTGTGCTTTTGGGAATCTGAGTGCACTCCTGGAGAT-3'
Protein context (NP_001934.2, residues 616-636): ALMILAFLLL[Leu626=]LVPLLLLMCH